The following is an entry in ClinVar:

NM_001110556.2(FLNA):c.1565C>T (p.Pro522Leu)

Gene: FLNA (filamin A; minus strand). Cytogenetic location: Xq28.
Variant type: single nucleotide variant.
Coding change: c.1565C>T on transcript NM_001110556.2 (MANE Select); coding-DNA position 1565, C replaced by T.
Protein change: p.Pro522Leu; replaces proline 522 with leucine.
Molecular consequence: missense variant.
Genome position (GRCh38, 1-based): chrX:154,365,351, G>A on the plus strand (C>T on the coding strand, the complement: FLNA is on the minus strand). VCF-style: chrX-154365351-G-A. GRCh37 (hg19) VCF-style: chrX-153593719-G-A.
Other names: c.1565C>T, p.Pro522Leu (NM_001456.4); short protein forms P522L.
Identifiers: ClinVar variation 2002092 (VCV002002092.4), dbSNP rs2522757589, ClinGen allele CA415243297.
Genomic context (GRCh38, chrX:154,365,351, plus strand): 5'-CAGCAGTGAACCCGGGGGCTGCCGCCACCCATCCTGGCCTGGCTCCAGGCCAACTTACTG[G>A]GGCCCTTCACGGTGACCTTCAGCTCCCCACTGCCAGCGCCCTTTGTGTACACCTTGAAGT-3'
Protein context (NP_001104026.1, residues 512-532): SGELKVTVKG[Pro522Leu]KGEERVKQKD

ClinVar aggregate classification (germline): Uncertain significance (1 of 4 stars; one submission).

Conditions:
Oto-palato-digital syndrome, type II (OPD2). Also called: FACIOPALATOOSSEOUS SYNDROME; OPD II SYNDROME; Otopalatodigital Syndrome Type 2 (FLNA-OPD2); Otopalatodigital Syndrome, Type II. Identifiers: Orphanet 669, Orphanet 90652, MedGen C1844696, MONDO:0010571, OMIM 304120.
Melnick-Needles syndrome (MNS). Also called: MELNICK-NEEDLES OSTEODYSPLASTY; OSTEODYSPLASTY OF MELNICK AND NEEDLES; Melnick-Needles Syndrome (FLNA-MNS). Identifiers: Orphanet 2484, MedGen C0025237, MONDO:0010650, OMIM 309350.
Frontometaphyseal dysplasia (FMD1). Identifiers: Orphanet 1826, MedGen C0265293, MONDO:0015942.
Heterotopia, periventricular, X-linked dominant (PVNH1). Also called: PERIVENTRICULAR NODULAR HETEROTOPIA 1; X-linked periventricular heterotopia; PERIVENTRICULAR NODULAR HETEROTOPIA 4; HETEROTOPIA, PERIVENTRICULAR, 1. Identifiers: Orphanet 2149, Orphanet 82004, MedGen C1848213, MONDO:0010233, OMIM 300049.

Submission:

Labcorp Genetics (formerly Invitae), Labcorp
Classification: Uncertain significance for Oto-palato-digital syndrome, type II; Heterotopia, periventricular, X-linked dominant; Frontometaphyseal dysplasia; Melnick-Needles syndrome. Last evaluated: 2022-06-07. Review status: criteria provided, single submitter. Criteria: Invitae Variant Classification Sherloc (09022015). Collection method: clinical testing. Allele origin: germline.
Comment: This sequence change replaces proline, which is neutral and non-polar, with leucine, which is neutral and non-polar, at codon 522 of the FLNA protein (p.Pro522Leu). This variant is not present in population databases (gnomAD no frequency). This variant has not been reported in the literature in individuals affected with FLNA-related conditions. Algorithms developed to predict the effect of missense changes on protein structure and function are either unavailable or do not agree on the potential impact of this missense change (SIFT: "Deleterious"; PolyPhen-2: "Possibly Damaging"; Align-GVGD: "Class C0"). In summary, the available evidence is currently insufficient to determine the role of this variant in disease. Therefore, it has been classified as a Variant of Uncertain Significance.